The following is an entry in ClinVar:

ClinVar aggregate classification (germline): Likely pathogenic (1 of 4 stars; one submission).

Conditions:
Nemaline myopathy 2 (NEM2). Also called: Nemaline myopathy 2, autosomal recessive. Identifiers: MedGen C1850569, MONDO:0009725, OMIM 256030.

Submission:

Myriad Genetics, Inc.
Classification: Likely pathogenic for Nemaline myopathy 2. Last evaluated: 2022-03-19. Review status: criteria provided, single submitter. Criteria: Myriad Women's Health Autosomal Recessive and X-Linked Classification Criteria (2021). Collection method: clinical testing. Allele origin: unknown.
Comment: NM_001271208.1(NEB):c.5440_5441delAT(I1814Cfs*3) is expected to be pathogenic in the context of NEB-related nemaline myopathy. This variant is predicted to lead to an abnormal or absent protein product due to the creation of a premature termination codon in NEB, a gene where loss-of-function variants are known to be pathogenic. Please note: this variant was assessed in the context of healthy population screening.

NM_001164508.2(NEB):c.5440_5441del (p.Ile1814fs)

Gene: NEB (nebulin; minus strand). Cytogenetic location: 2q23.3.
Variant type: Deletion.
Coding change: c.5440_5441del on transcript NM_001164508.2 (MANE Select); coding-DNA positions 5440 to 5441, 2 bases deleted (AT; older notation c.5440_5441delAT).
Protein change: p.Ile1814fs; shifts the reading frame from isoleucine 1814.
Molecular consequence: frameshift variant.
Genome position (GRCh38, 1-based): chr2:151,664,511-151,664,512, AT deleted on the plus strand (AT on the coding strand, the reverse complement: NEB is on the minus strand). VCF-style (leftmost placement, unchanged base first): chr2-151664510-AAT-A. GRCh37 (hg19) VCF-style: chr2-152521024-AAT-A.
Other names: c.5440_5441del, p.Ile1814fs (NM_001164507.2, NM_001271208.2, NM_004543.5); short protein forms I1814fs.
Identifiers: ClinVar variation 1725404 (VCV001725404.2), dbSNP rs2552256960, ClinGen allele CA2580064077.
Genomic context (GRCh38, chr2:151,664,510, plus strand): 5'-GCATTTGTTCTTACTTGCTCAACCCCAAAAAGGCCCAGTGCAAGCACTTACATCACTGGC[AAT>A]GTCTCTAGAGGCTCTTGCAGCCTTTATTGCAATGGCATCAGGCCTCAGGTCATATCCTTT-3'